The following is an entry in ClinVar:

NM_001369.3(DNAH5):c.12705+10C>T

Gene: DNAH5 (dynein axonemal heavy chain 5; minus strand). Cytogenetic location: 5p15.2.
Variant type: single nucleotide variant.
Coding change: c.12705+10C>T on transcript NM_001369.3 (MANE Select); 10 bases into the intron after coding-DNA position 12705, C replaced by T.
Molecular consequence: intron variant.
Genome position (GRCh38, 1-based): chr5:13,717,305, G>A on the plus strand (C>T on the coding strand, the complement: DNAH5 is on the minus strand). VCF-style: chr5-13717305-G-A. GRCh37 (hg19) VCF-style: chr5-13717414-G-A.
Other names: p.?; c.12705+10C>T (NM_001369.2).
Identifiers: ClinVar variation 1131425 (VCV001131425.19), dbSNP rs758172356, ClinGen allele CA3201562.

ClinVar aggregate classification (germline): Likely benign. Review status: criteria provided, multiple submitters, no conflicts (2 of 4 stars). 2 submissions from 2 submitters: Likely benign (2). Last evaluated 2025-03-07.

Conditions:
Primary ciliary dyskinesia. Also called: Ciliary dyskinesia. Identifiers: Orphanet 244, MedGen C0008780, MONDO:0016575, HP:0012265.

Allele frequency attached by ClinVar (database versions not stated): ExAC 0.00001; gnomAD exomes 0.00001 and 0.00002; gnomAD 0.00003 and 0.00004; TOPMed 0.00004.
gnomAD v4.1: 30 of 1,612,318 alleles (0.0019%); highest among the groups gnomAD compares: African/African-American, 0.004%; no homozygotes.

Submissions (2):

Labcorp Genetics (formerly Invitae), Labcorp
Classification: Likely benign for Primary ciliary dyskinesia. Last evaluated: 2025-03-07. Review status: criteria provided, single submitter. Criteria: Invitae Variant Classification Sherloc (09022015). Collection method: clinical testing. Allele origin: germline.

Mayo Clinic Laboratories, Mayo Clinic
Classification: Likely benign. Last evaluated: 2025-03-06. Review status: criteria provided, single submitter. Criteria: ACMG Guidelines, 2015. Collection method: clinical testing. Allele origin: germline. Observed: 1 variant allele.
Comment: BP4, BP7